The following continues an entry in ClinVar:

NM_007103.4(NDUFV1):c.1157G>A (p.Arg386His)

ClinVar aggregate classification (germline): Pathogenic/Likely pathogenic. Pathogenic (9); Likely pathogenic (3).

Submissions 7 to 13 of 13:

Revvity Omics, Revvity
Classification: Pathogenic for Mitochondrial complex I deficiency, nuclear type 4. Last evaluated: 2023-05-11. Review status: criteria provided, single submitter. Criteria: ACMG Guidelines, 2015. Collection method: clinical testing. Allele origin: germline.

Baylor Genetics
Classification: Pathogenic for Mitochondrial complex I deficiency, nuclear type 4. Last evaluated: 2023-05-07. Review status: criteria provided, single submitter. Criteria: ACMG Guidelines, 2015. Collection method: clinical testing. Allele origin: unknown.

PreventionGenetics, part of Exact Sciences
Classification: Likely pathogenic for NDUFV1-related condition. Last evaluated: 2022-12-07. Review status: criteria provided, single submitter. Criteria: ACMG Guidelines, 2015. Collection method: clinical testing. Allele origin: germline.
Comment: The NDUFV1 c.1157G>A variant is predicted to result in the amino acid substitution p.Arg386His. This variant, along with a second potentially causative variant in NDUFV1, has been reported in two patients with mitochondrial complex I deficiency (Calvo et al. 2010. PubMed ID: 20818383, see supplementary table 2). This variant in the homozygous state has been reported in two consanguineous siblings with brainstem lesions and Leigh syndrome; both of their unaffected parents are heterozygous for this variant (Vilain et al. 2012. PubMed ID: 21696386, reported as c.1156G>A, p.Arg386His). A different variant affecting the same amino acid (p.Arg386Cys) has also been reported to be pathogenic (Srivastava et al. 2018. PubMed ID: 29976978; Breningstall et al. 2008. PubMed ID: 19073330). Functional analysis suggests that the p.Arg386His variant decreases complex I activity (Varghese et al. 2015. PubMed ID: 26345448). Taken together, we classify this variant as likely pathogenic.

3billion
Classification: Pathogenic for Mitochondrial complex I deficiency, nuclear type 4. Last evaluated: 2022-09-01. Review status: criteria provided, single submitter. Criteria: ACMG Guidelines, 2015. Collection method: clinical testing. Allele origin: germline. Affected: yes. Observed: 1 heterozygote.
Comment: The variant is observed at an extremely low frequency in the gnomAD v2.1.1 dataset (total allele frequency: 0.005%). Missense changes are a common disease-causing mechanism. The variant was found to in trans with other pathogenic variant (3billion dataset). In silico tool predictions suggest damaging effect of the variant on gene or gene product (REVEL: 0.96; 3Cnet: 0.67). Same nucleotide change resulting in same amino acid change (ClinVar ID: VCV000496918 ) and different missense changes at the same codon (p.Arg386Cys, p.Arg386Leu; ClinVar ID: VCV000419230 , VCV001465562 ) have been previously reported as pathogenic/likely pathogenic with strong evidence. Therefore, this variant is classified as Pathogenic according to the recommendation of ACMG/AMP guideline.

Johns Hopkins Genomics, Johns Hopkins University
Classification: Likely pathogenic for Mitochondrial complex I deficiency, nuclear type 4. Last evaluated: 2022-03-27. Review status: criteria provided, single submitter. Criteria: ACMG Guidelines, 2015. Collection method: clinical testing. Allele origin: germline.
Comment: This NDUFV1 variant (rs536758576) is rare (<0.1%) in a large population dataset (gnomAD: 14/282690 total alleles; 0.005%; no homozygotes) and has been reported in ClinVar. It has been reported in a homozygous and compound heterozygous state in individuals with mitochondrial complex I deficiency. A different pathogenic variant, p.Arg386Cys, has also been reported at this amino acid position8. Three bioinformatic tools queried predict that the p.(Arg386His) substitution would be damaging, and the arginine residue at this position is strongly conserved across the vertebrate species assessed. This substitution is predicted to disrupt the protein–protein interactions that facilitate Fe–S cluster buffering and showed evidence of impaired complex I activity in a yeast model system. Bioinformatic analysis predicts that this variant would not affect normal exon 8 splicing, although this has not been confirmed experimentally to our knowledge. This variant alone is not expected to cause disease. We consider this variant to be likely pathogenic.

Eurofins Ntd Llc (ga)
Classification: Pathogenic. Last evaluated: 2016-11-28. Review status: criteria provided, single submitter. Criteria: EGL Classification Definitions 2015. Collection method: clinical testing. Allele origin: germline. Observed: 2 variant alleles, 2 heterozygotes.

Clinical Laboratory Sciences Program (CLSP), King Saud bin Abdulaziz University for Health Sciences (KSAU-HS)
Classification: Pathogenic for Mitochondrial complex I deficiency, nuclear type 4. Last evaluated: 2023-04-01. Review status: no assertion criteria provided. Collection method: clinical testing. Allele origin: germline. Affected: yes. Not counted in ClinVar's aggregate classification.

Literature cited by the submitters: PubMed 20818383 (cited by Labcorp Genetics (formerly Invitae), Labcorp and Women's Health and Genetics/Laboratory Corporation of America, LabCorp); PubMed 26345448 (cited by 3 submitters); PubMed 35482246 (cited by Labcorp Genetics (formerly Invitae), Labcorp and Women's Health and Genetics/Laboratory Corporation of America, LabCorp); PubMed 26024641 (cited by Labcorp Genetics (formerly Invitae), Labcorp); PubMed 29353736 (cited by Labcorp Genetics (formerly Invitae), Labcorp); PubMed 29948731 (cited by Labcorp Genetics (formerly Invitae), Labcorp); PubMed 25615419 (cited by Women's Health and Genetics/Laboratory Corporation of America, LabCorp); PubMed 23562761 (cited by Women's Health and Genetics/Laboratory Corporation of America, LabCorp); PubMed 29976978 (cited by Women's Health and Genetics/Laboratory Corporation of America, LabCorp and Johns Hopkins Genomics, Johns Hopkins University); PubMed 21364701 (cited by Women's Health and Genetics/Laboratory Corporation of America, LabCorp); PubMed 21696386 (cited by Women's Health and Genetics/Laboratory Corporation of America, LabCorp and Johns Hopkins Genomics, Johns Hopkins University); PubMed 35586607 (cited by Women's Health and Genetics/Laboratory Corporation of America, LabCorp); PubMed 34807224 (cited by Johns Hopkins Genomics, Johns Hopkins University).